The following is an entry in ClinVar:

NM_000322.5(PRPH2):c.808_818del (p.Leu270fs)

Gene: PRPH2 (peripherin 2; minus strand). Cytogenetic location: 6p21.1.
Variant type: Deletion.
Coding change: c.808_818del on transcript NM_000322.5 (MANE Select); coding-DNA positions 808 to 818, 11 bases deleted (CTCCTCATTTG).
Protein change: p.Leu270fs; shifts the reading frame from leucine 270.
Molecular consequence: frameshift variant.
Genome position (GRCh38, 1-based): chr6:42,704,375-42,704,385, CAAATGAGGAG deleted on the plus strand (CTCCTCATTTG on the coding strand, the reverse complement: PRPH2 is on the minus strand); deleting any 11 consecutive bases within chr6:42,704,375-42,704,386 gives the same sequence; the c. name uses the placement nearest the transcript's 3' end. VCF-style (leftmost placement, unchanged base first): chr6-42704374-CCAAATGAGGAG-C. GRCh37 (hg19) VCF-style: chr6-42672112-CCAAATGAGGAG-C.
Other names: short protein forms L270fs.
Identifiers: ClinVar variation 636076 (VCV000636076.3), dbSNP rs1582764504, ClinGen allele CA915944251.
Genomic context (GRCh38, chr6:42,704,374, plus strand): 5'-TGGGACCGGAGGCTCTCCTTACCCTCTACCCCCAGCTGGCCCAGGGCCTACCTCGAAGAG[CCAAATGAGGAG>C]CGTGACGACACCCATGGAGTTCATGAGGCTGCTGTAGTAGCTCAGCAGGGCAGCCCTGCA-3'

ClinVar aggregate classification (germline): Pathogenic/Likely pathogenic. Review status: no assertion criteria provided (0 of 4 stars). 2 submissions from 2 submitters: Pathogenic (1); Likely pathogenic (1). Last evaluated 2021-04-06.

Conditions:
Macular dystrophy. Identifiers: MedGen C0730292, HP:0007754.

Submissions (2):

Leiden Open Variation Database
Classification: Pathogenic. Last evaluated: 2021-04-06. Review status: no assertion criteria provided. Collection method: curation. Allele origin: germline. Affected: yes.
Comment: Curator: Global Variome, with Curator vacancy. Submitter to LOVD: Manon Peeters.

Department of Clinical Genetics, Copenhagen University Hospital, Rigshospitalet
Classification: Likely pathogenic for Macular dystrophy. Last evaluated: 2018-04-01. Review status: no assertion criteria provided. Collection method: research. Allele origin: unknown. Affected: yes. Study: VeluxRD.

Literature cited by the submitters: PubMed 30718709 (cited by Leiden Open Variation Database and Department of Clinical Genetics, Copenhagen University Hospital, Rigshospitalet).